The following is an entry in ClinVar:

NM_000090.4(COL3A1):c.3028C>T (p.Pro1010Ser)

Gene: COL3A1 (collagen type III alpha 1 chain; plus strand). Cytogenetic location: 2q32.2.
Variant type: single nucleotide variant.
Coding change: c.3028C>T on transcript NM_000090.4 (MANE Select); coding-DNA position 3028, C replaced by T.
Protein change: p.Pro1010Ser; replaces proline 1010 with serine.
Molecular consequence: missense variant.
Genome position (GRCh38, 1-based): chr2:189,005,446, C>T. VCF-style: chr2-189005446-C-T. GRCh37 (hg19) VCF-style: chr2-189870172-C-T.
Other names: short protein forms P1010S.
Identifiers: ClinVar variation 2725282 (VCV002725282.3), dbSNP rs2469156533, ClinGen allele CA349844857.
Genomic context (GRCh38, chr2:189,005,446, plus strand): 5'-GGAGAACGTGGTCCCCCTGGACCCCAGGGTCTTCCTGGTCTGGCTGGTACAGCTGGTGAA[C>T]CTGGAAGAGATGTGAGTAGCAGTTTTTATTCAACCAGCCAGGTAGAATTTGATAATTTAT-3'
Protein context (NP_000081.2, residues 1000-1020): LPGLAGTAGE[Pro1010Ser]GRDGNPGSDG

ClinVar aggregate classification (germline): Uncertain significance (1 of 4 stars; one submission).

Conditions:
Ehlers-Danlos syndrome, type 4 (EDSVASC). Also called: Ehlers-Danlos Syndrome Type IV; Ehlers-Danlos syndrome vascular type; Ehlers Danlos syndrome, ecchymotic type; Ehlers Danlos syndrome, arterial type; Ehlers Danlos syndrome, Sack-Barabas type. Identifiers: Orphanet 286, MedGen C0268338, MONDO:0017314, OMIM 130050.

Submission:

Labcorp Genetics (formerly Invitae), Labcorp
Classification: Uncertain significance for Ehlers-Danlos syndrome, type 4. Last evaluated: 2024-01-25. Review status: criteria provided, single submitter. Criteria: Invitae Variant Classification Sherloc (09022015). Collection method: clinical testing. Allele origin: germline.
Comment: This sequence change replaces proline, which is neutral and non-polar, with serine, which is neutral and polar, at codon 1010 of the COL3A1 protein (p.Pro1010Ser). This variant is not present in population databases (gnomAD no frequency). This variant has not been reported in the literature in individuals affected with COL3A1-related conditions. Advanced modeling of protein sequence and biophysical properties (such as structural, functional, and spatial information, amino acid conservation, physicochemical variation, residue mobility, and thermodynamic stability) performed at Invitae indicates that this missense variant is not expected to disrupt COL3A1 protein function with a negative predictive value of 95%. In summary, the available evidence is currently insufficient to determine the role of this variant in disease. Therefore, it has been classified as a Variant of Uncertain Significance.